The following is an entry in ClinVar:

NM_032601.4(MCEE):c.140G>T (p.Arg47Leu)

Gene: MCEE (methylmalonyl-CoA epimerase; minus strand). Cytogenetic location: 2p13.3.
Variant type: single nucleotide variant.
Coding change: c.140G>T on transcript NM_032601.4 (MANE Select); coding-DNA position 140, G replaced by T.
Protein change: p.Arg47Leu; replaces arginine 47 with leucine.
Molecular consequence: missense variant.
Genome position (GRCh38, 1-based): chr2:71,124,444, C>A on the plus strand (G>T on the coding strand, the complement: MCEE is on the minus strand). VCF-style: chr2-71124444-C-A. GRCh37 (hg19) VCF-style: chr2-71351574-C-A.
Other names: short protein forms R47L.
Identifiers: ClinVar variation 1444714 (VCV001444714.6), dbSNP rs377624743, ClinGen allele CA1702637.
Genomic context (GRCh38, chr2:71,124,444, plus strand): 5'-TTCTTATAAAATGCTGCAGCCTTTTCCAAATCTGGCACTGCTATGGCTACATGGTTGAGT[C>A]GACCCAGGTTCCACACAGAACCTGTCACTTGATCCAAGGGCTGTGATGTGGAAGAAGCTC-3'
Protein context (NP_115990.3, residues 37-57): QVTGSVWNLG[Arg47Leu]LNHVAIAVPD

ClinVar aggregate classification (germline): Uncertain significance. Review status: criteria provided, multiple submitters, no conflicts (2 of 4 stars). 2 submissions from 2 submitters: Uncertain significance (2). Last evaluated 2022-03-31.

Conditions:
Methylmalonic acidemia due to methylmalonyl-CoA epimerase deficiency. Also called: Methylmalonyl-CoA Epimerase Deficiency; METHYLMALONIC ACIDURIA III; METHYLMALONYL-CoA RACEMASE DEFICIENCY. Identifiers: Orphanet 308425, MedGen C1855100, MONDO:0009615, OMIM 251120.

gnomAD v4.1: 27 of 1,613,986 alleles (0.0017%); highest among the groups gnomAD compares: Admixed American, 0.025%; no homozygotes.

Submissions (2):

GeneDx
Classification: Uncertain significance. Last evaluated: 2022-03-31. Review status: criteria provided, single submitter. Criteria: GeneDx Variant Classification Process June 2021. Collection method: clinical testing. Allele origin: germline. Affected: yes.
Comment: In silico analysis supports that this missense variant has a deleterious effect on protein structure/function; Has not been previously published as pathogenic or benign to our knowledge

Labcorp Genetics (formerly Invitae), Labcorp
Classification: Uncertain significance for Methylmalonic acidemia due to methylmalonyl-CoA epimerase deficiency. Last evaluated: 2022-01-11. Review status: criteria provided, single submitter. Criteria: Invitae Variant Classification Sherloc (09022015). Collection method: clinical testing. Allele origin: germline.
Comment: This sequence change replaces arginine, which is basic and polar, with leucine, which is neutral and non-polar, at codon 47 of the MCEE protein (p.Arg47Leu). This variant is present in population databases (rs377624743, gnomAD 0.04%). This variant has not been reported in the literature in individuals affected with MCEE-related conditions. Algorithms developed to predict the effect of missense changes on protein structure and function (SIFT, PolyPhen-2, Align-GVGD) all suggest that this variant is likely to be disruptive. In summary, the available evidence is currently insufficient to determine the role of this variant in disease. Therefore, it has been classified as a Variant of Uncertain Significance.